The following is an entry in ClinVar:

NM_004813.4(PEX16):c.774C>T (p.Ser258=)

Gene: PEX16 (peroxisomal biogenesis factor 16; minus strand). Cytogenetic location: 11p11.2.
Variant type: single nucleotide variant.
Coding change: c.774C>T on transcript NM_004813.4 (MANE Select); coding-DNA position 774, C replaced by T.
Protein change: p.Ser258=; no amino-acid change (serine 258 retained).
Molecular consequence: synonymous variant.
Genome position (GRCh38, 1-based): chr11:45,913,932, G>A on the plus strand (C>T on the coding strand, the complement: PEX16 is on the minus strand). VCF-style: chr11-45913932-G-A. GRCh37 (hg19) VCF-style: chr11-45935483-G-A.
Other names: c.774C>T, p.Ser258= (NM_057174.3); c.774C>T (NM_004813.2).
Identifiers: ClinVar variation 594096 (VCV000594096.11), dbSNP rs1031968916, ClinGen allele CA221587450.

ClinVar aggregate classification (germline): Conflicting classifications of pathogenicity. Review status: criteria provided, conflicting classifications (1 of 4 stars). 3 submissions from 3 submitters: Uncertain significance (1); Likely benign (2). Last evaluated 2026-06-06.

Conditions:
PEX16-related disorder. Also called: PEX16-related condition.
Peroxisome biogenesis disorder. Identifiers: Orphanet 79189, MedGen C1832200, MONDO:0019234. Disease mechanism: loss of function.

Allele frequency attached by ClinVar (database versions not stated): gnomAD 0.00001; TOPMed 0.00001.
gnomAD v4.1: 12 of 1,612,398 alleles (0.00074%); highest among the groups gnomAD compares: Admixed American, 0.0017%; no homozygotes.

Submissions (3):

PreventionGenetics, part of Exact Sciences
Classification: Likely benign for PEX16-related condition. Last evaluated: 2026-06-06. Review status: criteria provided, single submitter. Criteria: ACMG Guidelines, 2015. Collection method: clinical testing. Allele origin: germline.
Comment: This variant is classified as likely benign based on ACMG/AMP sequence variant interpretation guidelines (Richards et al. 2015 PMID: 25741868, with internal and published modifications).

Labcorp Genetics (formerly Invitae), Labcorp
Classification: Likely benign for Peroxisome biogenesis disorder. Last evaluated: 2025-11-05. Review status: criteria provided, single submitter. Criteria: Invitae Variant Classification Sherloc (09022015). Collection method: clinical testing. Allele origin: germline.

Eurofins Ntd Llc (ga)
Classification: Uncertain significance. Last evaluated: 2017-09-15. Review status: criteria provided, single submitter. Criteria: EGL Classification Definitions 2015. Collection method: clinical testing. Allele origin: germline. Observed: 1 variant allele, 1 heterozygote.